The following is an entry in ClinVar:

ClinVar aggregate classification (germline): Uncertain significance (1 of 4 stars; one submission).

Submission:

Women's Health and Genetics/Laboratory Corporation of America, LabCorp
Classification: Uncertain significance. Last evaluated: 2025-07-21. Review status: criteria provided, single submitter. Criteria: LabCorp Variant Classification Summary - May 2015. Collection method: clinical testing. Allele origin: germline.
Comment: Variant summary: PIK3R1 c.784A>G (p.Arg262Gly) results in a non-conservative amino acid change in the encoded protein sequence. Algorithms developed to predict the effect of missense changes on protein structure and function are either unavailable or do not agree on the potential impact of this missense change. The variant was absent in 251282 control chromosomes. The available data on variant occurrences in the general population are insufficient to allow any conclusion about variant significance. To our knowledge, no occurrence of c.784A>G in individuals affected with SHORT Syndrome and no experimental evidence demonstrating its impact on protein function have been reported. No submitters have cited clinical-significance assessments for this variant to ClinVar. Based on the evidence outlined above, the variant was classified as uncertain significance.

NM_181523.3(PIK3R1):c.784A>G (p.Arg262Gly)

Gene: PIK3R1 (phosphoinositide-3-kinase regulatory subunit 1; plus strand). Cytogenetic location: 5q13.1.
Variant type: single nucleotide variant.
Coding change: c.784A>G on transcript NM_181523.3 (MANE Select); coding-DNA position 784, A replaced by G.
Protein change: p.Arg262Gly; replaces arginine 262 with glycine.
Molecular consequence: missense variant.
Genome position (GRCh38, 1-based): chr5:68,280,677, A>G. VCF-style: chr5-68280677-A-G. GRCh37 (hg19) VCF-style: chr5-67576505-A-G.
Other names: short protein forms R262G.
Identifiers: ClinVar variation 4525727 (VCV004525727.1).